The following is an entry in ClinVar:

NM_004924.6(ACTN4):c.2020C>T (p.Arg674Cys)

Gene: ACTN4 (actinin alpha 4; plus strand). Cytogenetic location: 19q13.2.
Variant type: single nucleotide variant.
Coding change: c.2020C>T on transcript NM_004924.6 (MANE Select); coding-DNA position 2020, C replaced by T.
Protein change: p.Arg674Cys; replaces arginine 674 with cysteine.
Molecular consequence: missense variant.
Genome position (GRCh38, 1-based): chr19:38,725,733, C>T. VCF-style: chr19-38725733-C-T. GRCh37 (hg19) VCF-style: chr19-39216373-C-T.
Other names: c.2020C>T, p.Arg674Cys (NM_001322033.2, NM_001411143.1); short protein forms R674C.
Identifiers: ClinVar variation 2632129 (VCV002632129.2), dbSNP rs753213013, ClinGen allele CA9417866.
Genomic context (GRCh38, chr19:38,725,733, plus strand): 5'-GTGGGGGCAGGCCCACCAGCCTCACCCCACCGCCTGCACCCACCCCCGTAGGAGATCGGG[C>T]GCATCTCCATTGAGATGAACGGGACCCTGGAGGACCAGCTGAGCCACCTGAAGCAGTATG-3'
Protein context (NP_004915.2, residues 664-684): WIQTKMEEIG[Arg674Cys]ISIEMNGTLE

ClinVar aggregate classification (germline): Uncertain significance (1 of 4 stars; one submission).

Conditions:
ACTN4-related disorder. Also called: ACTN4-related condition.

Allele frequency attached by ClinVar (database versions not stated): ExAC 0.00001; gnomAD exomes 0.00002; TOPMed 0.00003; gnomAD 0.00005.
gnomAD v4.1: 41 of 1,613,706 alleles (0.0025%); highest among the groups gnomAD compares: Non-Finnish European, 0.0031%; no homozygotes.

Submission:

PreventionGenetics, part of Exact Sciences
Classification: Uncertain significance for ACTN4-related condition. Last evaluated: 2024-11-07. Review status: criteria provided, single submitter. Criteria: ACMG Guidelines, 2015. Collection method: clinical testing. Allele origin: germline.
Comment: The ACTN4 c.2020C>T variant is predicted to result in the amino acid substitution p.Arg674Cys. This variant was reported in an individual with steroid resistant nephrotic syndrome (SRNS) (Klaassen et al. 2015. PubMed ID: 25903641). This variant is reported in 0.0027% of alleles in individuals of European (Non-Finnish) descent in gnomAD. At this time, the clinical significance of this variant is uncertain due to the absence of conclusive functional and genetic evidence.